The following is an entry in ClinVar:

NM_003801.4(GPAA1):c.601G>A (p.Asp201Asn)

Gene: GPAA1 (glycosylphosphatidylinositol anchor attachment 1; plus strand). Cytogenetic location: 8q24.3.
Variant type: single nucleotide variant.
Coding change: c.601G>A on transcript NM_003801.4 (MANE Select); coding-DNA position 601, G replaced by A.
Protein change: p.Asp201Asn; replaces aspartic acid 201 with asparagine.
Molecular consequence: missense variant.
Genome position (GRCh38, 1-based): chr8:144,084,025, G>A. VCF-style: chr8-144084025-G-A. GRCh37 (hg19) VCF-style: chr8-145138928-G-A.
Other names: short protein forms D201N.
Identifiers: ClinVar variation 2446513 (VCV002446513.1), dbSNP rs781905290, ClinGen allele CA4932867.
Genomic context (GRCh38, chr8:144,084,025, plus strand): 5'-GTCTTCCTGGTAACAGAACATGACCTTCTGGGCACTGAGGCTTGGCTTGAAGCCTACCAC[G>A]ATGTCAATGTCACTGGTAGGTTCTCTTGTCCTGCCTGCCCTGGTCCCCCTCTCAGGGTCA-3'
Protein context (NP_003792.1, residues 191-211): GTEAWLEAYH[Asp201Asn]VNVTGMQSSP

ClinVar aggregate classification (germline): Uncertain significance (1 of 4 stars; one submission).

Allele frequency attached by ClinVar (database versions not stated): gnomAD 0.00001.
gnomAD v4.1: 8 of 1,612,748 alleles (0.0005%); highest among the groups gnomAD compares: Admixed American, 0.0083%; no homozygotes.

Submission:

GeneDx
Classification: Uncertain significance. Last evaluated: 2022-09-29. Review status: criteria provided, single submitter. Criteria: GeneDx Variant Classification Process June 2021. Collection method: clinical testing. Allele origin: germline. Affected: yes.
Comment: In silico analysis supports that this missense variant does not alter protein structure/function; Has not been previously published as pathogenic or benign to our knowledge